The following is an entry in ClinVar:

NM_015627.3(LDLRAP1):c.850G>A (p.Ala284Thr)

Gene: LDLRAP1 (low density lipoprotein receptor adaptor protein 1; plus strand). Cytogenetic location: 1p36.11.
Variant type: single nucleotide variant.
Coding change: c.850G>A on transcript NM_015627.3 (MANE Select); coding-DNA position 850, G replaced by A.
Protein change: p.Ala284Thr; replaces alanine 284 with threonine.
Molecular consequence: missense variant.
Genome position (GRCh38, 1-based): chr1:25,566,915, G>A. VCF-style: chr1-25566915-G-A. GRCh37 (hg19) VCF-style: chr1-25893406-G-A.
Other names: short protein forms A284T.
Identifiers: ClinVar variation 1677169 (VCV001677169.12), dbSNP rs144622500, ClinGen allele CA695771.

ClinVar aggregate classification (germline): Conflicting classifications of pathogenicity. Review status: criteria provided, conflicting classifications (1 of 4 stars). 6 submissions from 6 submitters: Uncertain significance (4); Likely benign (2). Last evaluated 2026-06-17.

Conditions:
Hypercholesterolemia, familial, 4 (FHCL4). Also called: HYPERCHOLESTEROLEMIA, AUTOSOMAL RECESSIVE, 1; HYPERCHOLESTEROLEMIA, AUTOSOMAL RECESSIVE, 2. Identifiers: Orphanet 391665, MedGen C1863512, MONDO:0011374, OMIM 603813.
Cardiovascular phenotype. Identifiers: MedGen CN230736.

Allele frequency attached by ClinVar (database versions not stated): 1000 Genomes Project 0.00020; ExAC 0.00014; ESP Exome Variant Server 0.00008; gnomAD 0.00017; 1000 Genomes Project 30x 0.00031.
gnomAD v4.1: 285 of 1,613,456 alleles (0.018%); highest among the groups gnomAD compares: Non-Finnish European, 0.023%; no homozygotes.

Submissions (6):

GeneDx
Classification: Uncertain significance. Last evaluated: 2026-06-17. Review status: criteria provided, single submitter. Criteria: GeneDx Variant Classification Process June 2021. Collection method: clinical testing. Allele origin: germline.
Comment: In silico analysis suggests that this missense variant does not alter protein structure/function; This variant is associated with the following publications: (PMID: 27247956, 39769230)

Women's Health and Genetics/Laboratory Corporation of America, LabCorp
Classification: Uncertain significance. Last evaluated: 2025-07-24. Review status: criteria provided, single submitter. Criteria: LabCorp Variant Classification Summary - May 2015. Collection method: clinical testing. Allele origin: germline.
Comment: Variant summary: LDLRAP1 c.850G>A (p.Ala284Thr) results in a non-conservative amino acid change in the encoded protein sequence. Algorithms developed to predict the effect of missense changes on protein structure and function are either unavailable or do not agree on the potential impact of this missense change. The variant allele was found at a frequency of 0.00013 in 249256 control chromosomes. This frequency is not significantly higher than estimated for a pathogenic variant in LDLRAP1 causing Early Onset Coronary Artery Disease (0.00013 vs 0.0063), allowing no conclusion about variant significance. To our knowledge, no occurrence of c.850G>A in individuals affected with Early Onset Coronary Artery Disease and no experimental evidence demonstrating its impact on protein function have been reported. ClinVar contains an entry for this variant (Variation ID: 1677169). Based on the evidence outlined above, the variant was classified as uncertain significance.

ARUP Laboratories, Molecular Genetics and Genomics, ARUP Laboratories
Classification: Likely benign for Hypercholesterolemia, familial, 4. Last evaluated: 2024-12-18. Review status: criteria provided, single submitter. Criteria: ARUP Molecular Germline Variant Investigation Process 2024. Collection method: clinical testing. Allele origin: germline.

Ambry Genetics
Classification: Likely benign for Cardiovascular phenotype. Last evaluated: 2024-08-14. Review status: criteria provided, single submitter. Criteria: Ambry Variant Classification Scheme 2023. Collection method: clinical testing. Allele origin: germline.

Labcorp Genetics (formerly Invitae), Labcorp
Classification: Uncertain significance for Hypercholesterolemia, familial, 4. Last evaluated: 2022-07-01. Review status: criteria provided, single submitter. Criteria: Invitae Variant Classification Sherloc (09022015). Collection method: clinical testing. Allele origin: germline.
Comment: This sequence change replaces alanine, which is neutral and non-polar, with threonine, which is neutral and polar, at codon 284 of the LDLRAP1 protein (p.Ala284Thr). This variant is present in population databases (rs144622500, gnomAD 0.03%). This variant has not been reported in the literature in individuals affected with LDLRAP1-related conditions. ClinVar contains an entry for this variant (Variation ID: 1677169). Algorithms developed to predict the effect of missense changes on protein structure and function (SIFT, PolyPhen-2, Align-GVGD) all suggest that this variant is likely to be tolerated. In summary, the available evidence is currently insufficient to determine the role of this variant in disease. Therefore, it has been classified as a Variant of Uncertain Significance.

Fulgent Genetics
Classification: Uncertain significance for Hypercholesterolemia, familial, 4. Last evaluated: 2021-07-20. Review status: criteria provided, single submitter. Criteria: ACMG Guidelines, 2015. Collection method: clinical testing. Allele origin: unknown.

Literature cited by the submitters: PubMed 27247956 (cited by Women's Health and Genetics/Laboratory Corporation of America, LabCorp).